The following is an entry in ClinVar:

NM_000155.4(GALT):c.625T>G (p.Tyr209Asp)

Gene: GALT (galactose-1-phosphate uridylyltransferase; plus strand). Cytogenetic location: 9p13.3.
Variant type: single nucleotide variant.
Coding change: c.625T>G on transcript NM_000155.4 (MANE Select); coding-DNA position 625, T replaced by G.
Protein change: p.Tyr209Asp; replaces tyrosine 209 with aspartic acid.
Molecular consequence: missense variant.
Genome position (GRCh38, 1-based): chr9:34,648,394, T>G. VCF-style: chr9-34648394-T-G. GRCh37 (hg19) VCF-style: chr9-34648391-T-G.
Other names: c.298T>G, p.Tyr100Asp (NM_001258332.2); short protein forms Y209D, Y100D.
Identifiers: ClinVar variation 1501873 (VCV001501873.6), dbSNP rs2132344222, ClinGen allele CA373282092.

ClinVar aggregate classification (germline): Likely pathogenic (1 of 4 stars; one submission).

Conditions:
Deficiency of UDPglucose-hexose-1-phosphate uridylyltransferase. Also called: Transferase Deficiency Galactosemia; GALACTOSE-1-PHOSPHATE URIDYLYLTRANSFERASE DEFICIENCY; GALT deficiency; Galactosemia, classic; GALACTOSEMIA I. Identifiers: Orphanet 352, Orphanet 79239, MedGen C0268151, MONDO:0009258, OMIM 230400.

Submission:

Labcorp Genetics (formerly Invitae), Labcorp
Classification: Likely pathogenic for Deficiency of UDPglucose-hexose-1-phosphate uridylyltransferase. Last evaluated: 2021-12-01. Review status: criteria provided, single submitter. Criteria: Invitae Variant Classification Sherloc (09022015). Collection method: clinical testing. Allele origin: germline.
Comment: This variant has not been reported in the literature in individuals affected with GALT-related conditions. This sequence change replaces tyrosine, which is neutral and polar, with aspartic acid, which is acidic and polar, at codon 209 of the GALT protein (p.Tyr209Asp). This variant is not present in population databases (gnomAD no frequency). Advanced modeling of protein sequence and biophysical properties (such as structural, functional, and spatial information, amino acid conservation, physicochemical variation, residue mobility, and thermodynamic stability) performed at Invitae indicates that this missense variant is expected to disrupt GALT protein function. This variant disrupts the p.Tyr209 amino acid residue in GALT. Other variant(s) that disrupt this residue have been determined to be pathogenic (PMID: 10399107, 11397328, 16540753, 22743281). This suggests that this residue is clinically significant, and that variants that disrupt this residue are likely to be disease-causing. In summary, the currently available evidence indicates that the variant is pathogenic, but additional data are needed to prove that conclusively. Therefore, this variant has been classified as Likely Pathogenic.

Literature cited by the submitters: PubMed 10399107; PubMed 11397328; PubMed 16540753; PubMed 22743281.